The following is an entry in ClinVar:

NM_006662.3(SRCAP):c.910G>A (p.Glu304Lys)

Gene: SRCAP (Snf2 related CREBBP activator protein; plus strand). Cytogenetic location: 16p11.2.
Variant type: single nucleotide variant.
Coding change: c.910G>A on transcript NM_006662.3 (MANE Select); coding-DNA position 910, G replaced by A.
Protein change: p.Glu304Lys; replaces glutamic acid 304 with lysine.
Molecular consequence: missense variant.
Genome position (GRCh38, 1-based): chr16:30,709,904, G>A. VCF-style: chr16-30709904-G-A. GRCh37 (hg19) VCF-style: chr16-30721225-G-A.
Other names: short protein forms E304K.
Identifiers: ClinVar variation 3360229 (VCV003360229.1).

ClinVar aggregate classification (germline): Uncertain significance (1 of 4 stars; one submission).

gnomAD v4.1: 1 of 1,614,070 alleles (0.000062%); highest among the groups gnomAD compares: Non-Finnish European, 0.000085%; no homozygotes.

Submission:

GeneDx
Classification: Uncertain significance. Last evaluated: 2023-06-26. Review status: criteria provided, single submitter. Criteria: GeneDx Variant Classification Process June 2021. Collection method: clinical testing. Allele origin: germline. Affected: yes.
Comment: Not observed at significant frequency in large population cohorts (gnomAD); In silico analysis supports that this missense variant does not alter protein structure/function; Has not been previously published as pathogenic or benign to our knowledge